The following is an entry in ClinVar:

ClinVar aggregate classification (germline): Uncertain significance (0 of 4 stars; one submission).

Conditions:
IFT172-related disorder. Also called: IFT172-related condition; IFT172-related disorders.

gnomAD v4.1: 1 of 1,614,072 alleles (0.000062%); highest among the groups gnomAD compares: African/African-American, 0.0013%; no homozygotes.

Submission:

PreventionGenetics, part of Exact Sciences
Classification: Uncertain significance for IFT172-related condition. Last evaluated: 2024-04-26. Review status: no assertion criteria provided. Collection method: clinical testing. Allele origin: germline.
Comment: The IFT172 c.3100C>T variant is predicted to result in the amino acid substitution p.His1034Tyr. To our knowledge, this variant has not been reported in the literature or in a large population database, indicating this variant is rare. At this time, the clinical significance of this variant is uncertain due to the absence of conclusive functional and genetic evidence.

NM_015662.3(IFT172):c.3100C>T (p.His1034Tyr)

Gene: IFT172 (intraflagellar transport 172; minus strand). Cytogenetic location: 2p23.3.
Variant type: single nucleotide variant.
Coding change: c.3100C>T on transcript NM_015662.3 (MANE Select); coding-DNA position 3100, C replaced by T.
Protein change: p.His1034Tyr; replaces histidine 1034 with tyrosine.
Molecular consequence: missense variant.
Genome position (GRCh38, 1-based): chr2:27,457,852, G>A on the plus strand (C>T on the coding strand, the complement: IFT172 is on the minus strand). VCF-style: chr2-27457852-G-A. GRCh37 (hg19) VCF-style: chr2-27680719-G-A.
Other names: c.3034C>T, p.His1012Tyr (NM_001410739.1); short protein forms H1012Y, H1034Y.
Identifiers: ClinVar variation 3344266 (VCV003344266.1).